The following is an entry in ClinVar:

ClinVar aggregate classification (germline): Uncertain significance. Review status: criteria provided, multiple submitters, no conflicts (2 of 4 stars). 2 submissions from 2 submitters: Uncertain significance (2). Last evaluated 2024-05-11.

Conditions:
Arrhythmogenic right ventricular dysplasia 13. Also called: ARRHYTHMOGENIC RIGHT VENTRICULAR CARDIOMYOPATHY 13; Arrhythmogenic right ventricular dysplasia, familial, 13. Identifiers: MedGen C3810138, MONDO:0000908, OMIM 615616.

gnomAD v4.1: 1 of 1,613,058 alleles (0.000062%); no homozygotes.

Submissions (2):

Ambry Genetics
Classification: Uncertain significance. Last evaluated: 2024-05-11. Review status: criteria provided, single submitter. Criteria: Ambry Variant Classification Scheme 2023. Collection method: clinical testing. Allele origin: germline.
Comment: The p.Y895C variant (also known as c.2684A>G), located in coding exon 17 of the CTNNA3 gene, results from an A to G substitution at nucleotide position 2684. The tyrosine at codon 895 is replaced by cysteine, an amino acid with highly dissimilar properties. This amino acid position is conserved. In addition, this alteration is predicted to be tolerated by in silico analysis. Based on the available evidence, the clinical significance of this variant remains unclear.

Labcorp Genetics (formerly Invitae), Labcorp
Classification: Uncertain significance for Arrhythmogenic right ventricular dysplasia 13. Last evaluated: 2022-02-21. Review status: criteria provided, single submitter. Criteria: Invitae Variant Classification Sherloc (09022015). Collection method: clinical testing. Allele origin: germline.
Comment: In summary, the available evidence is currently insufficient to determine the role of this variant in disease. Therefore, it has been classified as a Variant of Uncertain Significance. Algorithms developed to predict the effect of missense changes on protein structure and function are either unavailable or do not agree on the potential impact of this missense change (SIFT: "Tolerated"; PolyPhen-2: "Not Available"; Align-GVGD: "Class C0"). This variant has not been reported in the literature in individuals affected with CTNNA3-related conditions. This variant is not present in population databases (gnomAD no frequency). This sequence change replaces tyrosine, which is neutral and polar, with cysteine, which is neutral and slightly polar, at codon 895 of the CTNNA3 protein (p.Tyr895Cys).

NM_013266.4(CTNNA3):c.2684A>G (p.Tyr895Cys)

Gene: CTNNA3 (catenin alpha 3; minus strand). Cytogenetic location: 10q21.3.
Variant type: single nucleotide variant.
Coding change: c.2684A>G on transcript NM_013266.4 (MANE Select); coding-DNA position 2684, A replaced by G.
Protein change: p.Tyr895Cys; replaces tyrosine 895 with cysteine.
Molecular consequence: missense variant.
Genome position (GRCh38, 1-based): chr10:65,920,334, T>C on the plus strand (A>G on the coding strand, the complement: CTNNA3 is on the minus strand). VCF-style: chr10-65920334-T-C. GRCh37 (hg19) VCF-style: chr10-67680092-T-C.
Other names: c.2684A>G, p.Tyr895Cys (NM_001127384.3); c.2684A>G (NM_013266.2); short protein forms Y895C.
Identifiers: ClinVar variation 1405944 (VCV001405944.7), dbSNP rs1426521596, ClinGen allele CA377088581.
Genomic context (GRCh38, chr10:65,920,334, plus strand): 5'-AGCAGTGTGGTTAGGCAGGATTTTGTCATATAGGCACTATATGTAGAATAGTGGTTTCAG[T>C]AGATTTGTCTTCCTCTAAATTCACTCATGACTTGCAATGGATGGATTTTTTTCTTTGCTG-3'
Protein context (NP_037398.2, residues 885-895): VMSEFRGRQI[Tyr895Cys]